The following is an entry in ClinVar:

NM_000528.4(MAN2B1):c.2206C>A (p.Pro736Thr)

Gene: MAN2B1 (mannosidase alpha class 2B member 1; minus strand). Cytogenetic location: 19p13.13.
Variant type: single nucleotide variant.
Coding change: c.2206C>A on transcript NM_000528.4 (MANE Select); coding-DNA position 2206, C replaced by A.
Protein change: p.Pro736Thr; replaces proline 736 with threonine.
Molecular consequence: missense variant.
Genome position (GRCh38, 1-based): chr19:12,649,974, G>T on the plus strand (C>A on the coding strand, the complement: MAN2B1 is on the minus strand). VCF-style: chr19-12649974-G-T. GRCh37 (hg19) VCF-style: chr19-12760788-G-T.
Other names: c.2206C>A (NM_000528.3); c.2203C>A, p.Pro735Thr (NM_001173498.2); short protein forms P735T, P736T.
Identifiers: ClinVar variation 1985433 (VCV001985433.2), dbSNP rs2512489643, ClinGen allele CA404242795.

ClinVar aggregate classification (germline): Uncertain significance. Review status: criteria provided, multiple submitters, no conflicts (2 of 4 stars). 2 submissions from 2 submitters: Uncertain significance (2). Last evaluated 2025-06-17.

Conditions:
Inborn genetic diseases. Identifiers: MedGen C0950123, MeSH D030342.
Deficiency of alpha-mannosidase (MANSA). Also called: Mannosidosis, alpha-, types I and II; LYSOSOMAL ALPHA-D-MANNOSIDASE DEFICIENCY; Alpha-Mannosidosis. Identifiers: Orphanet 61, MedGen C0024748, MONDO:0009561, OMIM 248500.

Submissions (2):

Ambry Genetics
Classification: Uncertain significance for Inborn genetic diseases. Last evaluated: 2025-06-17. Review status: criteria provided, single submitter. Criteria: Ambry Variant Classification Scheme 2023. Collection method: clinical testing. Allele origin: germline.

Labcorp Genetics (formerly Invitae), Labcorp
Classification: Uncertain significance for Deficiency of alpha-mannosidase. Last evaluated: 2022-06-08. Review status: criteria provided, single submitter. Criteria: Invitae Variant Classification Sherloc (09022015). Collection method: clinical testing. Allele origin: germline.
Comment: This sequence change replaces proline, which is neutral and non-polar, with threonine, which is neutral and polar, at codon 736 of the MAN2B1 protein (p.Pro736Thr). This variant is not present in population databases (gnomAD no frequency). This variant has not been reported in the literature in individuals affected with MAN2B1-related conditions. Algorithms developed to predict the effect of missense changes on protein structure and function output the following: SIFT: "Tolerated"; PolyPhen-2: "Benign"; Align-GVGD: "Class C0". The threonine amino acid residue is found in multiple mammalian species, which suggests that this missense change does not adversely affect protein function. In summary, the available evidence is currently insufficient to determine the role of this variant in disease. Therefore, it has been classified as a Variant of Uncertain Significance.